The following is an entry in ClinVar:

ClinVar aggregate classification (germline): Uncertain significance (1 of 4 stars; one submission).

Conditions:
CHARGE syndrome (CHARGE). Also called: Hittner Hirsch Kreh syndrome; CHARGE ASSOCIATION--COLOBOMA, HEART ANOMALY, CHOANAL ATRESIA, RETARDATION, GENITAL AND EAR ANOMALIES; Coloboma, heart anomaly, choanal atresia, retardation, genital and ear anomalies; CHARGE association; Hall-Hittner syndrome. Identifiers: Orphanet 138, MedGen C0265354, MONDO:0008965.

Submission:

Labcorp Genetics (formerly Invitae), Labcorp
Classification: Uncertain significance for CHARGE syndrome. Last evaluated: 2024-01-31. Review status: criteria provided, single submitter. Criteria: Invitae Variant Classification Sherloc (09022015). Collection method: clinical testing. Allele origin: germline.
Comment: This sequence change replaces glutamine, which is neutral and polar, with arginine, which is basic and polar, at codon 180 of the CHD7 protein (p.Gln180Arg). This variant is not present in population databases (gnomAD no frequency). This variant has not been reported in the literature in individuals affected with CHD7-related conditions. Advanced modeling of protein sequence and biophysical properties (such as structural, functional, and spatial information, amino acid conservation, physicochemical variation, residue mobility, and thermodynamic stability) performed at Invitae indicates that this missense variant is not expected to disrupt CHD7 protein function with a negative predictive value of 95%. In summary, the available evidence is currently insufficient to determine the role of this variant in disease. Therefore, it has been classified as a Variant of Uncertain Significance.

NM_017780.4(CHD7):c.539A>G (p.Gln180Arg)

Gene: CHD7 (chromodomain helicase DNA binding protein 7; plus strand). Cytogenetic location: 8q12.2.
Variant type: single nucleotide variant.
Coding change: c.539A>G on transcript NM_017780.4 (MANE Select); coding-DNA position 539, A replaced by G.
Protein change: p.Gln180Arg; replaces glutamine 180 with arginine.
Molecular consequence: missense variant.
Genome position (GRCh38, 1-based): chr8:60,741,971, A>G. VCF-style: chr8-60741971-A-G. GRCh37 (hg19) VCF-style: chr8-61654530-A-G.
Other names: c.539A>G, p.Gln180Arg (NM_001316690.1); short protein forms Q180R.
Identifiers: ClinVar variation 2730601 (VCV002730601.3), dbSNP rs2487265693, ClinGen allele CA371297865.